The following is an entry in ClinVar:

NM_000701.8(ATP1A1):c.1509C>A (p.His503Gln)

Genes: ATP1A1 (ATPase Na+/K+ transporting subunit alpha 1; plus strand), ATP1A1-AS1 (ATP1A1 antisense RNA 1; minus strand). Cytogenetic location: 1p13.1.
Variant type: single nucleotide variant.
Coding change: c.1509C>A on transcript NM_000701.8 (MANE Select); coding-DNA position 1509, C replaced by A.
Protein change: p.His503Gln; replaces histidine 503 with glutamine.
Molecular consequence: missense variant.
Genome position (GRCh38, 1-based): chr1:116,393,572, C>A. VCF-style: chr1-116393572-C-A. GRCh37 (hg19) VCF-style: chr1-116936194-C-A.
Other names: c.1509C>A, p.His503Gln (NM_001160233.2); c.1416C>A, p.His472Gln (NM_001160234.2); short protein forms H472Q, H503Q.
Identifiers: ClinVar variation 3012590 (VCV003012590.3), dbSNP rs144872101, ClinGen allele CA341770895.

ClinVar aggregate classification (germline): Uncertain significance (1 of 4 stars; one submission).

gnomAD v4.1: 3 of 1,614,118 alleles (0.00019%); highest among the groups gnomAD compares: East Asian, 0.0022%; no homozygotes.

Submission:

Labcorp Genetics (formerly Invitae), Labcorp
Classification: Uncertain significance. Last evaluated: 2025-08-29. Review status: criteria provided, single submitter. Criteria: Invitae Variant Classification Sherloc (09022015). Collection method: clinical testing. Allele origin: germline.
Comment: This sequence change replaces histidine, which is basic and polar, with glutamine, which is neutral and polar, at codon 503 of the ATP1A1 protein (p.His503Gln). This variant is present in population databases (no rsID available, gnomAD 0.006%). This variant has not been reported in the literature in individuals affected with ATP1A1-related conditions. ClinVar contains an entry for this variant (Variation ID: 3012590). Invitae Evidence Modeling of protein sequence and biophysical properties (such as structural, functional, and spatial information, amino acid conservation, physicochemical variation, residue mobility, and thermodynamic stability) indicates that this missense variant is not expected to disrupt ATP1A1 protein function with a negative predictive value of 95%. In summary, the available evidence is currently insufficient to determine the role of this variant in disease. Therefore, it has been classified as a Variant of Uncertain Significance.